The following is an entry in ClinVar:

ClinVar aggregate classification (germline): Uncertain significance. Review status: criteria provided, multiple submitters, no conflicts (2 of 4 stars). 4 submissions from 4 submitters: Uncertain significance (4). Last evaluated 2026-03-13.

Conditions:
Cardiovascular phenotype. Identifiers: MedGen CN230736.
ZNF469-related disorder. Also called: ZNF469-related condition.

Submissions (4):

Women's Health and Genetics/Laboratory Corporation of America, LabCorp
Classification: Uncertain significance. Last evaluated: 2026-03-13. Review status: criteria provided, single submitter. Criteria: LabCorp Variant Classification Summary - May 2015. Collection method: clinical testing. Allele origin: germline.
Comment: Variant summary: ZNF469 c.3103_3114del12 (p.Asp1035_Lys1038del) results in an in-frame deletion that is predicted to remove 4 amino acids from the encoded protein. The frequency data for this variant in gnomAD is considered unreliable, as metrics indicate poor data quality at this position. c.3103_3114del12 has been observed in heterozygous individuals from one family affected with Corneal dystrophy (Lin_2025). These report(s) do not provide unequivocal conclusions about association of the variant with Brittle cornea syndrome 1. To our knowledge, no experimental evidence demonstrating an impact on protein function has been reported. The following publication have been ascertained in the context of this evaluation (PMID: 40547359). ClinVar contains an entry for this variant (Variation ID: 3476149). Based on the evidence outlined above, the variant was classified as uncertain significance.

Labcorp Genetics (formerly Invitae), Labcorp
Classification: Uncertain significance. Last evaluated: 2025-12-29. Review status: criteria provided, single submitter. Criteria: Invitae Variant Classification Sherloc (09022015). Collection method: clinical testing. Allele origin: germline.
Comment: This variant, c.3103_3114del, results in the deletion of 4 amino acid(s) of the ZNF469 protein (p.Asp1035_Lys1038del), but otherwise preserves the integrity of the reading frame. The frequency data for this variant in the population databases is considered unreliable, as metrics indicate poor data quality at this position in the gnomAD database. This variant has not been reported in the literature in individuals affected with ZNF469-related conditions. ClinVar contains an entry for this variant (Variation ID: 3476149). Experimental studies and prediction algorithms are not available or were not evaluated, and the functional significance of this variant is currently unknown. In summary, the available evidence is currently insufficient to determine the role of this variant in disease. Therefore, it has been classified as a Variant of Uncertain Significance.

PreventionGenetics, part of Exact Sciences
Classification: Uncertain significance for ZNF469-related condition. Last evaluated: 2025-02-07. Review status: criteria provided, single submitter. Criteria: ACMG Guidelines, 2015. Collection method: clinical testing. Allele origin: germline.
Comment: The ZNF469 c.3103_3114del12 variant is predicted to result in an in-frame deletion (p.Asp1035_Lys1038del). To our knowledge, this variant has not been reported in the literature. This variant is reported in 0.017% of alleles in individuals of East Asian descent in gnomAD. At this time, the clinical significance of this variant is uncertain due to the absence of conclusive functional and genetic evidence.

Ambry Genetics
Classification: Uncertain significance for Cardiovascular phenotype. Last evaluated: 2024-12-04. Review status: criteria provided, single submitter. Criteria: Ambry Variant Classification Scheme 2023. Collection method: clinical testing. Allele origin: germline.
Comment: The c.3103_3114del12 variant (also known as p.D1035_K1038del) is located in coding exon 1 of the ZNF469 gene. This variant results from an in-frame GACCCCAGGAAG deletion at nucleotide positions 3103 to 3114. This results in the in-frame deletion of 4 amino acids from codon 1035 to codon 1038. This amino acid region is not well conserved in available vertebrate species. In addition, this alteration is predicted to be deleterious by in silico analysis (Choi Y et al. PLoS ONE. 2012; 7(10):e46688). Based on the available evidence, the clinical significance of this variant remains unclear.

Literature cited by the submitters: PubMed 40547359 (cited by Women's Health and Genetics/Laboratory Corporation of America, LabCorp).

NM_001367624.2(ZNF469):c.3103_3114del (p.Asp1035_Lys1038del)

Gene: ZNF469 (zinc finger protein 469; plus strand). Cytogenetic location: 16q24.2.
Variant type: Deletion.
Coding change: c.3103_3114del on transcript NM_001367624.2 (MANE Select); coding-DNA positions 3103 to 3114, 12 bases deleted (GACCCCAGGAAG).
Protein change: p.Asp1035_Lys1038del.
Genome position (GRCh38, 1-based): chr16:88,430,573-88,430,584, GACCCCAGGAAG deleted; deleting any 12 consecutive bases within chr16:88,430,563-88,430,584 gives the same sequence; the c. name uses the placement nearest the transcript's 3' end. VCF-style (leftmost placement, unchanged base first): chr16-88430562-CCCCCAGGAAGGA-C. GRCh37 (hg19) VCF-style: chr16-88496970-CCCCCAGGAAGGA-C.
Other names: NM_001127464.1:c.3103_3114del12; NM_001127464.2:c.3103_3114del12; c.3103_3114del12 (NM_001367624.2).
Identifiers: ClinVar variation 3476149 (VCV003476149.4).